The following is an entry in ClinVar:

NM_022552.5(DNMT3A):c.2186G>A (p.Arg729Gln)

Gene: DNMT3A (DNA methyltransferase 3 alpha; minus strand). Cytogenetic location: 2p23.3.
Variant type: single nucleotide variant.
Coding change: c.2186G>A on transcript NM_022552.5 (MANE Select); coding-DNA position 2186, G replaced by A.
Protein change: p.Arg729Gln; replaces arginine 729 with glutamine.
Molecular consequence: missense variant. On other transcripts: non-coding transcript variant (1).
Genome position (GRCh38, 1-based): chr2:25,240,438, C>T on the plus strand (G>A on the coding strand, the complement: DNMT3A is on the minus strand). VCF-style: chr2-25240438-C-T. GRCh37 (hg19) VCF-style: chr2-25463307-C-T.
Other names: c.1730G>A, p.Arg577Gln (NM_001320893.1); c.1517G>A, p.Arg506Gln (NM_001375819.1); c.1619G>A, p.Arg540Gln (NM_153759.3); c.2186G>A, p.Arg729Gln (NM_175629.2); short protein forms R506Q, R540Q, R577Q, R729Q.
Identifiers: ClinVar variation 1801370 (VCV001801370.2), dbSNP rs757211277, ClinGen allele CA1555717.

ClinVar aggregate classification (germline): Conflicting classifications of pathogenicity. Review status: criteria provided, conflicting classifications (1 of 4 stars). 3 submissions from 3 submitters: Likely pathogenic (2); Uncertain significance (1). Last evaluated 2026-08-18.

Conditions:
Tatton-Brown-Rahman overgrowth syndrome. Also called: Tall stature-intellectual disability-facial dysmorphism syndrome; Tatton-Brown-Rahman syndrome. Identifiers: Orphanet 404443, MedGen C4014545, MONDO:0014382, OMIM 615879.

Allele frequency attached by ClinVar (database versions not stated): gnomAD 0.00001; gnomAD exomes 0.00001; ExAC 0.00002.
gnomAD v4.1: 15 of 1,608,430 alleles (0.00093%); highest among the groups gnomAD compares: Admixed American, 0.0034%; no homozygotes.

Submissions (3):

Department of Human Genetics, University Hospital Bern, Inselspital
Classification: Likely pathogenic for Tatton-Brown-Rahman overgrowth syndrome. Last evaluated: 2026-08-18. Review status: criteria provided, single submitter. Criteria: ACMG Guidelines, 2015. Collection method: clinical testing. Allele origin: de novo. Affected: yes. Observed: 1 variant allele.
Comment: The missense variant c.2186G>A p.(Arg729Gln) is present in gnomAD v4.1 with a frequency of 0.0009% (although we suspect that in some of the reported individuals the variant might be present as a somatic mutation).

Blueprint Genetics
Classification: Uncertain significance. Last evaluated: 2024-09-01. Review status: criteria provided, single submitter. Criteria: ACMG Guidelines, 2015. Collection method: clinical testing. Allele origin: germline.

Institute for Genomic Statistics and Bioinformatics, University Hospital Bonn
Classification: Likely pathogenic for Tatton-Brown-Rahman overgrowth syndrome. Review status: criteria provided, single submitter. Criteria: ACMG Guidelines, 2015. Collection method: not provided. Allele origin: germline. Inheritance: Autosomal dominant inheritance. Affected: yes.

Literature cited by the submitters: PubMed 39039281 (cited by Department of Human Genetics, University Hospital Bern, Inselspital).